The following is an entry in ClinVar:

ClinVar aggregate classification (germline): Uncertain significance. Review status: criteria provided, multiple submitters, no conflicts (2 of 4 stars). 2 submissions from 2 submitters: Uncertain significance (2). Last evaluated 2024-04-01.

Conditions:
Inborn genetic diseases. Identifiers: MedGen C0950123, MeSH D030342.

Allele frequency attached by ClinVar (database versions not stated): gnomAD exomes 0.00003; ExAC 0.00004; TOPMed 0.00004; gnomAD 0.00007.
gnomAD v4.1: 48 of 1,574,598 alleles (0.003%); highest among the groups gnomAD compares: Non-Finnish European, 0.004%; no homozygotes.

Submissions (2):

CeGaT Center for Human Genetics Tuebingen
Classification: Uncertain significance. Last evaluated: 2024-04-01. Review status: criteria provided, single submitter. Criteria: CeGaT Center For Human Genetics Tuebingen Variant Classification Criteria Version 2. Collection method: clinical testing. Allele origin: germline. Affected: yes. Observed: 1 variant allele.
Comment: DOCK6: PM2

Ambry Genetics
Classification: Uncertain significance for Inborn genetic diseases. Last evaluated: 2023-09-29. Review status: criteria provided, single submitter. Criteria: Ambry Variant Classification Scheme 2023. Collection method: clinical testing. Allele origin: germline.

NM_020812.4(DOCK6):c.985G>C (p.Val329Leu)

Gene: DOCK6 (dedicator of cytokinesis 6; minus strand). Cytogenetic location: 19p13.2.
Variant type: single nucleotide variant.
Coding change: c.985G>C on transcript NM_020812.4 (MANE Select); coding-DNA position 985, G replaced by C.
Protein change: p.Val329Leu; replaces valine 329 with leucine.
Molecular consequence: missense variant.
Genome position (GRCh38, 1-based): chr19:11,245,601, C>G on the plus strand (G>C on the coding strand, the complement: DOCK6 is on the minus strand). VCF-style: chr19-11245601-C-G. GRCh37 (hg19) VCF-style: chr19-11356277-C-G.
Other names: c.985G>C, p.Val329Leu (NM_001367830.1); short protein forms V329L.
Identifiers: ClinVar variation 3085089 (VCV003085089.21), dbSNP rs751496810, ClinGen allele CA9208283.